The following is an entry in ClinVar:

NM_018474.6(KIZ):c.2015A>G (p.Tyr672Cys)

Gene: KIZ (kizuna centrosomal protein; plus strand). Cytogenetic location: 20p11.23.
Variant type: single nucleotide variant.
Coding change: c.2015A>G on transcript NM_018474.6 (MANE Select); coding-DNA position 2015, A replaced by G.
Protein change: p.Tyr672Cys; replaces tyrosine 672 with cysteine.
Molecular consequence: missense variant.
Genome position (GRCh38, 1-based): chr20:21,246,569, A>G. VCF-style: chr20-21246569-A-G. GRCh37 (hg19) VCF-style: chr20-21227207-A-G.
Other names: c.1706A>G, p.Tyr569Cys (NM_001163022.3); c.1616A>G, p.Tyr539Cys (NM_001163023.3); c.1868A>G, p.Tyr623Cys (NM_001276389.2); c.1961A>G, p.Tyr654Cys (NM_001352434.2); c.1652A>G, p.Tyr551Cys (NM_001352435.2); c.1673A>G, p.Tyr558Cys (NM_001352436.2); short protein forms Y539C, Y558C, Y569C, Y551C, Y623C, Y654C, Y672C.
Identifiers: ClinVar variation 1930969 (VCV001930969.5), dbSNP rs1446325488, ClinGen allele CA408496630.
Genomic context (GRCh38, chr20:21,246,569, plus strand): 5'-CAGAAATTGAGGCTGCTTTACGCCCCAGAAACCATAACACCGATGATTCTGATGATTTTT[A>G]TGACTAACGTGCTGTGACATTGGTTTCAAATAAAGTCTTTAAACAAACTAAAATCCTGTG-3'
Protein context (NP_060944.3, residues 662-673): NHNTDDSDDF[Tyr672Cys]D

ClinVar aggregate classification (germline): Uncertain significance (1 of 4 stars; one submission).

Allele frequency attached by ClinVar (database versions not stated): gnomAD exomes 0.00001.

Submission:

Labcorp Genetics (formerly Invitae), Labcorp
Classification: Uncertain significance. Last evaluated: 2022-10-08. Review status: criteria provided, single submitter. Criteria: Invitae Variant Classification Sherloc (09022015). Collection method: clinical testing. Allele origin: germline.
Comment: This sequence change replaces tyrosine, which is neutral and polar, with cysteine, which is neutral and slightly polar, at codon 672 of the KIZ protein (p.Tyr672Cys). This variant is present in population databases (no rsID available, gnomAD 0.002%). This variant has not been reported in the literature in individuals affected with KIZ-related conditions. Experimental studies and prediction algorithms are not available or were not evaluated, and the functional significance of this variant is currently unknown. In summary, the available evidence is currently insufficient to determine the role of this variant in disease. Therefore, it has been classified as a Variant of Uncertain Significance.